The following is an entry in ClinVar:

ClinVar aggregate classification (germline): Uncertain significance (1 of 4 stars; one submission).

Conditions:
Inborn genetic diseases. Identifiers: MedGen C0950123, MeSH D030342.

Submission:

Ambry Genetics
Classification: Uncertain significance for Inborn genetic diseases. Last evaluated: 2025-12-28. Review status: criteria provided, single submitter. Criteria: Ambry Variant Classification Scheme 2023. Collection method: clinical testing. Allele origin: germline.
Comment: The p.D1387G variant (also known as c.4160A>G), located in coding exon 29 of the ANKRD26 gene, results from an A to G substitution at nucleotide position 4160. The aspartic acid at codon 1387 is replaced by glycine, an amino acid with similar properties. This amino acid position is conserved. In addition, the in silico prediction for this alteration is inconclusive. Based on the available evidence, the clinical significance of this variant remains unclear.

NM_014915.3(ANKRD26):c.4160A>G (p.Asp1387Gly)

Gene: ANKRD26 (ankyrin repeat domain 26; minus strand). Cytogenetic location: 10p12.1.
Variant type: single nucleotide variant.
Coding change: c.4160A>G on transcript NM_014915.3 (MANE Select); coding-DNA position 4160, A replaced by G.
Protein change: p.Asp1387Gly; replaces aspartic acid 1387 with glycine.
Molecular consequence: missense variant.
Genome position (GRCh38, 1-based): chr10:27,022,613, T>C on the plus strand (A>G on the coding strand, the complement: ANKRD26 is on the minus strand). VCF-style: chr10-27022613-T-C. GRCh37 (hg19) VCF-style: chr10-27311542-T-C.
Other names: c.4157A>G, p.Asp1386Gly (NM_001256053.2); short protein forms D1386G, D1387G.
Identifiers: ClinVar variation 4842351 (VCV004842351.1).
Genomic context (GRCh38, chr10:27,022,613, plus strand): 5'-ATTACCTTATGTTTTAGCTTATTAATCTGAATATCCATTTCAAATTGACTAGTTTTTAAA[T>C]CTCCATGGAAACTAAATTCTCCATTTTCATATTCATTTAACTTCTTTCTTGTCATTTTTA-3'
Protein context (NP_055730.2, residues 1377-1397): YENGEFSFHG[Asp1387Gly]LKTSQFEMDI